The following is an entry in ClinVar:

ClinVar aggregate classification (germline): Uncertain significance (1 of 4 stars; one submission).

Conditions:
Immunodeficiency 35 (IMD35). Also called: TYK2 DEFICIENCY; HIES WITH ATYPICAL MYCOBACTERIOSIS, AUTOSOMAL RECESSIVE; HYPER-IgE SYNDROME WITH ATYPICAL MYCOBACTERIOSIS, AUTOSOMAL RECESSIVE; Susceptibility to infection due to TYK2 deficiency. Identifiers: Orphanet 331226, MedGen C1969086, MONDO:0012682, OMIM 611521.

gnomAD v4.1: 4 of 1,614,022 alleles (0.00025%); highest among the groups gnomAD compares: Middle Eastern, 0.017%; no homozygotes.

Submission:

Labcorp Genetics (formerly Invitae), Labcorp
Classification: Uncertain significance for Immunodeficiency 35. Last evaluated: 2019-01-22. Review status: criteria provided, single submitter. Criteria: Invitae Variant Classification Sherloc (09022015). Collection method: clinical testing. Allele origin: germline.
Comment: In summary, the available evidence is currently insufficient to determine the role of this variant in disease. Therefore, it has been classified as a Variant of Uncertain Significance. Algorithms developed to predict the effect of missense changes on protein structure and function output the following: SIFT: "Tolerated"; PolyPhen-2: "Benign"; Align-GVGD: "Class C0". The serine amino acid residue is found in multiple mammalian species, suggesting that this missense change does not adversely affect protein function. These predictions have not been confirmed by published functional studies and their clinical significance is uncertain. This variant has not been reported in the literature in individuals with TYK2-related conditions. This variant is not present in population databases (ExAC no frequency). This sequence change replaces glycine with serine at codon 1178 of the TYK2 protein (p.Gly1178Ser). The glycine residue is highly conserved and there is a small physicochemical difference between glycine and serine.

NM_003331.5(TYK2):c.3532G>A (p.Gly1178Ser)

Gene: TYK2 (tyrosine kinase 2; minus strand). Cytogenetic location: 19p13.2.
Variant type: single nucleotide variant.
Coding change: c.3532G>A on transcript NM_003331.5 (MANE Select); coding-DNA position 3532, G replaced by A.
Protein change: p.Gly1178Ser; replaces glycine 1178 with serine.
Molecular consequence: missense variant.
Genome position (GRCh38, 1-based): chr19:10,350,866, C>T on the plus strand (G>A on the coding strand, the complement: TYK2 is on the minus strand). VCF-style: chr19-10350866-C-T. GRCh37 (hg19) VCF-style: chr19-10461542-C-T.
Other names: short protein forms G1178S.
Identifiers: ClinVar variation 860773 (VCV000860773.8), dbSNP rs747542256, ClinGen allele CA403979626.
Genomic context (GRCh38, chr19:10,350,866, plus strand): 5'-TCCTCCCAGGCAGGGCTGCCATTGTGCCTCAGCACACGCTGAACACTGAAGGGGCCTGGC[C>T]TTGGTACTTCTCATGGACTGTCTTCAGAATGGGTATGAGGTTCTCGAAGGTTGGGCGAAA-3'
Protein context (NP_003322.3, residues 1168-1187): ILKTVHEKYQ[Gly1178Ser]QAPSVFSVC